The following is an entry in ClinVar:

ClinVar aggregate classification (germline): Uncertain significance. Review status: criteria provided, multiple submitters, no conflicts (2 of 4 stars). 2 submissions from 2 submitters: Uncertain significance (2). Last evaluated 2023-11-01.

Conditions:
Intellectual developmental disorder, X-linked, syndromic, Raymond type. Also called: Syndromic X-linked intellectual disability Raymond type. Identifiers: MedGen C3275406, MONDO:0010427, OMIM 300799.

gnomAD v4.1: 2 of 1,211,033 alleles (0.00017%); highest among the groups gnomAD compares: Non-Finnish European, 0.00011%; no homozygotes.

Submissions (2):

CeGaT Center for Human Genetics Tuebingen
Classification: Uncertain significance. Last evaluated: 2023-11-01. Review status: criteria provided, single submitter. Criteria: CeGaT Center For Human Genetics Tuebingen Variant Classification Criteria Version 2. Collection method: clinical testing. Allele origin: germline. Affected: yes. Observed: 1 variant allele.
Comment: ZDHHC9: PM2, PP2

Labcorp Genetics (formerly Invitae), Labcorp
Classification: Uncertain significance for Intellectual developmental disorder, X-linked, syndromic, Raymond type. Last evaluated: 2022-07-10. Review status: criteria provided, single submitter. Criteria: Invitae Variant Classification Sherloc (09022015). Collection method: clinical testing. Allele origin: germline.
Comment: In summary, the available evidence is currently insufficient to determine the role of this variant in disease. Therefore, it has been classified as a Variant of Uncertain Significance. Algorithms developed to predict the effect of missense changes on protein structure and function are either unavailable or do not agree on the potential impact of this missense change (SIFT: "Deleterious"; PolyPhen-2: "Probably Damaging"; Align-GVGD: "Class C0"). This variant has not been reported in the literature in individuals affected with ZDHHC9-related conditions. This variant is present in population databases (rs770589013, gnomAD 0.001%). This sequence change replaces valine, which is neutral and non-polar, with methionine, which is neutral and non-polar, at codon 240 of the ZDHHC9 protein (p.Val240Met).

NM_016032.4(ZDHHC9):c.718G>A (p.Val240Met)

Gene: ZDHHC9 (zDHHC palmitoyltransferase 9; minus strand). Cytogenetic location: Xq26.1.
Variant type: single nucleotide variant.
Coding change: c.718G>A on transcript NM_016032.4 (MANE Select); coding-DNA position 718, G replaced by A.
Protein change: p.Val240Met; replaces valine 240 with methionine.
Molecular consequence: missense variant.
Genome position (GRCh38, 1-based): chrX:129,812,777, C>T on the plus strand (G>A on the coding strand, the complement: ZDHHC9 is on the minus strand). VCF-style: chrX-129812777-C-T. GRCh37 (hg19) VCF-style: chrX-128946753-C-T.
Other names: c.718G>A, p.Val240Met (NM_001008222.3); short protein forms V240M.
Identifiers: ClinVar variation 2000605 (VCV002000605.27), dbSNP rs770589013, ClinGen allele CA10513483.